The following is an entry in ClinVar:

ClinVar aggregate classification (germline): Likely pathogenic (1 of 4 stars; one submission).

Conditions:
Agenesis of the corpus callosum with peripheral neuropathy (ACCPN). Also called: CHARLEVOIX DISEASE; POLYNEUROPATHY, SENSORIMOTOR, WITH OR WITHOUT AGENESIS OF THE CORPUS CALLOSUM; HMSN/ACC; Hereditary Motor and Sensory Neuropathy with Agenesis of the Corpus Callosum. Identifiers: Orphanet 1496, MedGen C0795950, MONDO:0000902, OMIM 218000. Disease mechanism: loss of function.

Submission:

Diagnostics Services (NGS), CSIR - Centre For Cellular And Molecular Biology
Classification: Likely pathogenic for Agenesis of the corpus callosum with peripheral neuropathy. Last evaluated: 2025-05-01. Review status: criteria provided, single submitter. Criteria: ACMG Guidelines, 2015. Collection method: clinical testing. Allele origin: germline. Affected: yes. Observed: 1 variant allele, 1 homozygote.
Comment: The c.928G>T variant is not present in publicly available population databases like 1000 Genomes, EVS, gnomAD, Indian Exome Database or our internal database. The variant has neither been observed in individuals affected with SLC12A6-related conditions nor reported to any clinical databases like Human Genome Mutation Database (HGMD), OMIM or ClinVar, in any affected individuals. In-silico pathogenicity prediction programs like MutationTaster2021, CADD, Franklin, Varsome, InterVar, etc., predicted this variant to be likely deleterious. This variant creates a premature translational stop signal at the 310th amino acid position of the wild-type transcript that may result in translation of a truncated protein or cause nonsense-mediated decay of the mRNA.

NM_001365088.1(SLC12A6):c.928G>T (p.Glu310Ter)

Gene: SLC12A6 (solute carrier family 12 member 6; minus strand). Cytogenetic location: 15q14.
Variant type: single nucleotide variant.
Coding change: c.928G>T on transcript NM_001365088.1 (MANE Select); coding-DNA position 928, G replaced by T.
Protein change: p.Glu310Ter; replaces glutamic acid 310 with a stop codon.
Molecular consequence: nonsense.
Genome position (GRCh38, 1-based): chr15:34,254,538, C>A on the plus strand (G>T on the coding strand, the complement: SLC12A6 is on the minus strand). VCF-style: chr15-34254538-C-A. GRCh37 (hg19) VCF-style: chr15-34546739-C-A.
Other names: c.751G>T, p.Glu251Ter (NM_001042494.2, NM_001042495.2); c.901G>T, p.Glu301Ter (NM_001042496.2); c.883G>T, p.Glu295Ter (NM_001042497.2); c.775G>T, p.Glu259Ter (NM_005135.2); c.928G>T, p.Glu310Ter (NM_133647.2); short protein forms E251*, E259*, E295*, E301*, E310*.
Identifiers: ClinVar variation 4057272 (VCV004057272.1).
Genomic context (GRCh38, chr15:34,254,538, plus strand): 5'-CCATAAGGACCAAGAAAGCTGTGCCGTAGACACGCATGTTATTTAGCATGGCTGCTGATT[C>A]CTTGAGTGCGTCATCACTGTGAAAGATGGCAGCTCGGGGGACGATATAGACCTGTTAGGT-3'